The following is an entry in ClinVar:

NM_001128225.3(SLC39A13):c.896G>A (p.Cys299Tyr)

Gene: SLC39A13 (solute carrier family 39 member 13; plus strand). Cytogenetic location: 11p11.2.
Variant type: single nucleotide variant.
Coding change: c.896G>A on transcript NM_001128225.3 (MANE Select); coding-DNA position 896, G replaced by A.
Protein change: p.Cys299Tyr; replaces cysteine 299 with tyrosine.
Molecular consequence: missense variant. On other transcripts: non-coding transcript variant (1).
Genome position (GRCh38, 1-based): chr11:47,414,886, G>A. VCF-style: chr11-47414886-G-A. GRCh37 (hg19) VCF-style: chr11-47436437-G-A.
Other names: c.896G>A, p.Cys299Tyr (NM_001330245.2, NM_152264.5); short protein forms C299Y.
Identifiers: ClinVar variation 3367526 (VCV003367526.1).

ClinVar aggregate classification (germline): Uncertain significance (1 of 4 stars; one submission).

Submission:

GeneDx
Classification: Uncertain significance. Last evaluated: 2024-01-05. Review status: criteria provided, single submitter. Criteria: GeneDx Variant Classification Process June 2021. Collection method: clinical testing. Allele origin: germline. Affected: yes.
Comment: Not observed at significant frequency in large population cohorts (gnomAD); In silico analysis supports that this missense variant has a deleterious effect on protein structure/function; Has not been previously published as pathogenic or benign to our knowledge